The following is an entry in ClinVar:

NM_000465.4(BARD1):c.1406G>A (p.Cys469Tyr)

Gene: BARD1 (BRCA1 associated RING domain 1; minus strand). Cytogenetic location: 2q35.
Variant type: single nucleotide variant.
Coding change: c.1406G>A on transcript NM_000465.4 (MANE Select); coding-DNA position 1406, G replaced by A.
Protein change: p.Cys469Tyr; replaces cysteine 469 with tyrosine.
Molecular consequence: missense variant. On other transcripts: non-coding transcript variant (3), intron variant (3).
Genome position (GRCh38, 1-based): chr2:214,767,644, C>T on the plus strand (G>A on the coding strand, the complement: BARD1 is on the minus strand). VCF-style: chr2-214767644-C-T. GRCh37 (hg19) VCF-style: chr2-215632368-C-T.
Other names: c.1349G>A, p.Cys450Tyr (NM_001282543.2); c.159-15089G>A (NM_001282548.2); c.216-15089G>A (NM_001282545.2); c.364+24653G>A (NM_001282549.2); short protein forms C469Y, C450Y.
Identifiers: ClinVar variation 141829 (VCV000141829.22), dbSNP rs587782040, ClinGen allele CA166544.
Genomic context (GRCh38, chr2:214,767,644, plus strand): 5'-GTGTTCACCAATGCCTTATGCTGGAGCAATAATTCCACTACCTTCAGGTGCCCATGATTG[C>T]AAGCTTCATGCTAATTAAATTTTTTGAAAAAGAAGTGAAAGAAGTGATAAGAAAGAGCAA-3'
Protein context (NP_000456.2, residues 459-479): HAGWTPLHEA[Cys469Tyr]NHGHLKVVEL

ClinVar aggregate classification (germline): Uncertain significance. Review status: criteria provided, multiple submitters, no conflicts (2 of 4 stars). 8 submissions from 8 submitters: Uncertain significance (7). 1 of the submissions does not count toward it. Last evaluated 2025-10-10.

Conditions:
Hereditary cancer-predisposing syndrome. Also called: Neoplastic Syndromes, Hereditary; Tumor predisposition; Hereditary Cancer Syndrome; Hereditary neoplastic syndrome. Identifiers: Orphanet 140162, MedGen C0027672, MeSH D009386, MONDO:0015356.
Familial cancer of breast. Also called: BREAST CANCER, FAMILIAL; Hereditary breast cancer; hereditary breast carcinoma. Identifiers: Orphanet 227535, MedGen C0346153, MONDO:0016419, OMIM 114480. Disease mechanism: loss of function.

Allele frequency attached by ClinVar (database versions not stated): TOPMed 0.00001; gnomAD 0.00003 and 0.00004.
gnomAD v4.1: 6 of 1,613,736 alleles (0.00037%); highest among the groups gnomAD compares: African/African-American, 0.008%; no homozygotes.

Submissions (8):

Women's Health and Genetics/Laboratory Corporation of America, LabCorp
Classification: Uncertain significance. Last evaluated: 2025-10-10. Review status: criteria provided, single submitter. Criteria: LabCorp Variant Classification Summary - May 2015. Collection method: clinical testing. Allele origin: germline.

Ambry Genetics
Classification: Uncertain significance for Hereditary cancer-predisposing syndrome. Last evaluated: 2025-06-21. Review status: criteria provided, single submitter. Criteria: Ambry Variant Classification Scheme 2023. Collection method: clinical testing. Allele origin: germline.
Comment: The p.C469Y variant (also known as c.1406G>A), located in coding exon 6 of the BARD1 gene, results from a G to A substitution at nucleotide position 1406. The cysteine at codon 469 is replaced by tyrosine, an amino acid with highly dissimilar properties. This amino acid position is highly conserved in available vertebrate species. In addition, this alteration is predicted to be deleterious by in silico analysis. Since supporting evidence is limited at this time, the clinical significance of this alteration remains unclear.

Labcorp Genetics (formerly Invitae), Labcorp
Classification: Uncertain significance for Familial cancer of breast. Last evaluated: 2025-04-13. Review status: criteria provided, single submitter. Criteria: Invitae Variant Classification Sherloc (09022015). Collection method: clinical testing. Allele origin: germline.
Comment: This sequence change replaces cysteine, which is neutral and slightly polar, with tyrosine, which is neutral and polar, at codon 469 of the BARD1 protein (p.Cys469Tyr). This variant is not present in population databases (gnomAD no frequency). This variant has not been reported in the literature in individuals affected with BARD1-related conditions. ClinVar contains an entry for this variant (Variation ID: 141829). An algorithm developed to predict the effect of missense changes on protein structure and function (PolyPhen-2) suggests that this variant is likely to be disruptive. In summary, the available evidence is currently insufficient to determine the role of this variant in disease. Therefore, it has been classified as a Variant of Uncertain Significance.

Baylor Genetics
Classification: Uncertain significance for Familial cancer of breast. Last evaluated: 2023-12-18. Review status: criteria provided, single submitter. Criteria: ACMG Guidelines, 2015. Collection method: clinical testing. Allele origin: unknown.

Quest Diagnostics Nichols Institute San Juan Capistrano
Classification: Uncertain significance. Last evaluated: 2023-11-15. Review status: criteria provided, single submitter. Criteria: Quest Diagnostics criteria. Collection method: clinical testing. Allele origin: unknown.
Comment: The BARD1 c.1406G>A (p.Cys469Tyr) variant has not been reported in individuals with BARD1-related conditions in the published literature. The frequency of this variant in the general population, 0.000097 (4/41406 chromosomes (Genome Aggregation Database)), is uninformative in the assessment of its pathogenicity. Analysis of this variant using bioinformatics tools for the prediction of the effect of amino acid changes on protein structure and function yielded predictions that this variant is damaging. Based on the available information, we are unable to determine the clinical significance of this variant.

Myriad Genetics, Inc.
Classification: Uncertain significance for Familial cancer of breast. Last evaluated: 2023-02-24. Review status: criteria provided, single submitter. Criteria: Myriad Autosomal Dominant, Autosomal Recessive and X-Linked Classification Criteria (2023). Collection method: clinical testing. Allele origin: unknown.
Comment: This variant is classified as a variant of uncertain significance as there is insufficient evidence to determine its impact on protein function and/or cancer risk.

Department of Pathology and Laboratory Medicine, Sinai Health System
Classification: Uncertain significance for Familial cancer of breast. Last evaluated: 2022-05-04. Review status: criteria provided, single submitter. Criteria: ACMG Guidelines, 2015. Collection method: clinical testing. Allele origin: germline. Affected: yes.

Counsyl
Classification: Uncertain significance for Familial cancer of breast. Last evaluated: 2018-02-07. Review status: no assertion criteria provided. Collection method: clinical testing. Allele origin: unknown. Not counted in ClinVar's aggregate classification.